The following is an entry in ClinVar:

ClinVar aggregate classification (germline): Conflicting classifications of pathogenicity. Review status: criteria provided, conflicting classifications (1 of 4 stars). 4 submissions from 4 submitters: Uncertain significance (3); Likely benign (1). Last evaluated 2026-04-08.

Conditions:
PKD1-related disorder. Also called: PKD1-related condition.
Polycystic kidney disease, adult type (PKD1). Also called: Polycystic Kidney Disease 1, Autosomal Dominant; Polycystic kidney disease 1; Polycystic kidney disease 1, severe; POLYCYSTIC KIDNEY DISEASE 1 WITH OR WITHOUT POLYCYSTIC LIVER DISEASE; Polycystic Kidney, Autosomal Dominant; POLYCYSTIC KIDNEY DISEASE, ADULT, TYPE I. Identifiers: MedGen C3149841, MONDO:0008263, OMIM 173900.

Allele frequency attached by ClinVar (database versions not stated): TOPMed 0.00004; gnomAD exomes 0.00001 and 0.00002; ExAC 0.00002; gnomAD 0.00002 and 0.00004.
gnomAD v4.1: 24 of 1,610,464 alleles (0.0015%); highest among the groups gnomAD compares: East Asian, 0.013%; no homozygotes.

Submissions (4):

PreventionGenetics, part of Exact Sciences
Classification: Uncertain significance for PKD1-related condition. Last evaluated: 2026-04-08. Review status: criteria provided, single submitter. Criteria: ACMG Guidelines, 2015. Collection method: clinical testing. Allele origin: germline.
Comment: The PKD1 c.9626G>A variant is predicted to result in the amino acid substitution p.Arg3209His. To our knowledge, this variant has not been reported in the literature. This variant is reported in 0.0050% of alleles in individuals of East Asian descent in gnomAD. At this time, the clinical significance of this variant is uncertain due to the absence of conclusive functional and genetic evidence.

GeneDx
Classification: Likely benign. Last evaluated: 2023-05-19. Review status: criteria provided, single submitter. Criteria: GeneDx Variant Classification Process June 2021. Collection method: clinical testing. Allele origin: germline. Affected: yes.
Comment: See Variant Classification Assertion Criteria.

Fulgent Genetics
Classification: Uncertain significance for Polycystic kidney disease, adult type. Last evaluated: 2022-05-17. Review status: criteria provided, single submitter. Criteria: ACMG Guidelines, 2015. Collection method: clinical testing. Allele origin: unknown.

CeGaT Center for Human Genetics Tuebingen
Classification: Uncertain significance. Last evaluated: 2019-11-01. Review status: criteria provided, single submitter. Criteria: CeGaT Center For Human Genetics Tuebingen Variant Classification Criteria Version 2. Collection method: clinical testing. Allele origin: germline. Affected: yes. Observed: 1 variant allele.

NM_001009944.3(PKD1):c.9626G>A (p.Arg3209His)

Gene: PKD1 (polycystin 1, transient receptor potential channel interacting; minus strand). Cytogenetic location: 16p13.3.
Variant type: single nucleotide variant.
Coding change: c.9626G>A on transcript NM_001009944.3 (MANE Select); coding-DNA position 9626, G replaced by A.
Protein change: p.Arg3209His; replaces arginine 3209 with histidine.
Molecular consequence: missense variant.
Genome position (GRCh38, 1-based): chr16:2,100,252, C>T on the plus strand (G>A on the coding strand, the complement: PKD1 is on the minus strand). VCF-style: chr16-2100252-C-T. GRCh37 (hg19) VCF-style: chr16-2150253-C-T.
Other names: c.9626G>A, p.Arg3209His (NM_000296.4); short protein forms R3209H.
Identifiers: ClinVar variation 871749 (VCV000871749.46), dbSNP rs1063405, ClinGen allele CA7829993.